The following is an entry in ClinVar:

ClinVar aggregate classification (germline): Uncertain significance (1 of 4 stars; one submission).

Allele frequency attached by ClinVar (database versions not stated): gnomAD exomes below 0.00001.
gnomAD v4.1: 1 of 1,614,070 alleles (0.000062%); highest among the groups gnomAD compares: South Asian, 0.0011%; no homozygotes.

Submission:

GeneDx
Classification: Uncertain significance. Last evaluated: 2019-07-03. Review status: criteria provided, single submitter. Criteria: GeneDx Variant Classification Process June 2021. Collection method: clinical testing. Allele origin: germline. Affected: yes.
Comment: Not observed in large population cohorts (Lek et al., 2016); In silico analysis, which includes protein predictors and evolutionary conservation, supports a deleterious effect; Has not been previously published as pathogenic or benign to our knowledge

NM_001374828.1(ARID1B):c.5816T>G (p.Leu1939Arg)

Gene: ARID1B (AT-rich interaction domain 1B; plus strand). Cytogenetic location: 6q25.3.
Variant type: single nucleotide variant.
Coding change: c.5816T>G on transcript NM_001374828.1 (MANE Select); coding-DNA position 5816, T replaced by G.
Protein change: p.Leu1939Arg; replaces leucine 1939 with arginine.
Molecular consequence: missense variant.
Genome position (GRCh38, 1-based): chr6:157,206,588, T>G. VCF-style: chr6-157206588-T-G. GRCh37 (hg19) VCF-style: chr6-157527722-T-G.
Other names: c.5447T>G (NM_020732.3); c.3317T>G, p.Leu1106Arg (NM_001363725.2); c.5696T>G, p.Leu1899Arg (NM_001371656.1, NM_001374820.1); c.5657T>G, p.Leu1886Arg (NM_017519.3); short protein forms L1106R, L1886R, L1899R, L1939R.
Identifiers: ClinVar variation 1306236 (VCV001306236.2), dbSNP rs2128393304, ClinGen allele CA366246916.